The following is an entry in ClinVar:

ClinVar aggregate classification (germline): Uncertain significance. Review status: criteria provided, multiple submitters, no conflicts (2 of 4 stars). 5 submissions from 5 submitters: Uncertain significance (5). Last evaluated 2026-01-13.

Conditions:
Hereditary cancer-predisposing syndrome. Also called: Neoplastic Syndromes, Hereditary; Hereditary Cancer Syndrome; Tumor predisposition; Hereditary neoplastic syndrome. Identifiers: Orphanet 140162, MedGen C0027672, MeSH D009386, MONDO:0015356.
Cardiovascular phenotype. Identifiers: MedGen CN230736.
NF1-related disorder. Also called: NF1-related condition. Identifiers: MedGen CN379171.
Neurofibromatosis, familial spinal (FSNF). Identifiers: Orphanet 636, MedGen C1834235, MONDO:0008078, OMIM 162210. Disease mechanism: loss of function.
Neurofibromatosis-Noonan syndrome (NFNS). Also called: NEUROFIBROMATOSIS WITH NOONAN PHENOTYPE. Identifiers: Orphanet 638, MedGen C2931482, MONDO:0011035, OMIM 601321. Disease mechanism: loss of function.
Café-au-lait macules with pulmonary stenosis (WTSN). Also called: PULMONIC STENOSIS WITH CAFE-AU-LAIT SPOTS. Identifiers: MedGen C0553586, MONDO:0008672, OMIM 193520.
Neurofibromatosis, type 1 (NF1). Also called: VON RECKLINGHAUSEN DISEASE; NEUROFIBROMATOSIS, TYPE I, SOMATIC; Peripheral type neurofibromatosis; Neurofibromatosis, type I. Identifiers: Orphanet 636, MedGen C0027831, MONDO:0018975, OMIM 162200. Disease mechanism: loss of function.
Juvenile myelomonocytic leukemia (JMML). Also called: LEUKEMIA, JUVENILE MYELOMONOCYTIC, SOMATIC. Identifiers: Orphanet 86834, MedGen C0349639, MONDO:0011908, OMIM 607785, HP:0012209.

Allele frequency attached by ClinVar (database versions not stated): gnomAD exomes 0.00001.
gnomAD v4.1: 11 of 1,614,116 alleles (0.00068%); highest among the groups gnomAD compares: Non-Finnish European, 0.00093%; no homozygotes.

Submissions (5):

PreventionGenetics, part of Exact Sciences
Classification: Uncertain significance for NF1-related condition. Last evaluated: 2026-01-13. Review status: criteria provided, single submitter. Criteria: ACMG Guidelines, 2015. Collection method: clinical testing. Allele origin: germline.
Comment: The NF1 c.7030A>G variant is predicted to result in the amino acid substitution p.Thr2344Ala. To our knowledge, this variant has not been reported in the literature or in a large population database (gnomAD), indicating this variant is rare. This variant is interpreted as uncertain significance in ClinVar (ClinVar ID: 481960). At this time, the clinical significance of this variant is uncertain due to the absence of conclusive functional and genetic evidence.

Fulgent Genetics
Classification: Uncertain significance for Neurofibromatosis, type 1; Neurofibromatosis, familial spinal; Café-au-lait macules with pulmonary stenosis; Neurofibromatosis-Noonan syndrome; Juvenile myelomonocytic leukemia. Last evaluated: 2024-04-24. Review status: criteria provided, single submitter. Criteria: ACMG Guidelines, 2015. Collection method: clinical testing. Allele origin: germline.

Labcorp Genetics (formerly Invitae), Labcorp
Classification: Uncertain significance for Neurofibromatosis, type 1. Last evaluated: 2024-03-07. Review status: criteria provided, single submitter. Criteria: Invitae Variant Classification Sherloc (09022015). Collection method: clinical testing. Allele origin: germline.
Comment: This sequence change replaces threonine, which is neutral and polar, with alanine, which is neutral and non-polar, at codon 2323 of the NF1 protein (p.Thr2323Ala). This variant is not present in population databases (gnomAD no frequency). This variant has not been reported in the literature in individuals affected with NF1-related conditions. ClinVar contains an entry for this variant (Variation ID: 481960). Advanced modeling of protein sequence and biophysical properties (such as structural, functional, and spatial information, amino acid conservation, physicochemical variation, residue mobility, and thermodynamic stability) has been performed at Invitae for this missense variant, however the output from this modeling did not meet the statistical confidence thresholds required to predict the impact of this variant on NF1 protein function. In summary, the available evidence is currently insufficient to determine the role of this variant in disease. Therefore, it has been classified as a Variant of Uncertain Significance.

Genome-Nilou Lab
Classification: Uncertain significance for Neurofibromatosis, type 1. Last evaluated: 2022-03-15. Review status: criteria provided, single submitter. Criteria: ACMG Guidelines, 2015. Collection method: clinical testing. Allele origin: germline. Affected: no.

Ambry Genetics
Classification: Uncertain significance for Cardiovascular phenotype; Hereditary cancer-predisposing syndrome. Last evaluated: 2021-11-10. Review status: criteria provided, single submitter. Criteria: Ambry Variant Classification Scheme 2023. Collection method: clinical testing. Allele origin: germline.
Comment: The p.T2323A variant (also known as c.6967A>G), located in coding exon 46 of the NF1 gene, results from an A to G substitution at nucleotide position 6967. The threonine at codon 2323 is replaced by alanine, an amino acid with similar properties. This amino acid position is highly conserved in available vertebrate species. In addition, the in silico prediction for this alteration is inconclusive. Since supporting evidence is limited at this time, the clinical significance of this alteration remains unclear.

NM_001042492.3(NF1):c.7030A>G (p.Thr2344Ala)

Gene: NF1 (neurofibromin 1; plus strand). Cytogenetic location: 17q11.2.
Variant type: single nucleotide variant.
Coding change: c.7030A>G on transcript NM_001042492.3 (MANE Select); coding-DNA position 7030, A replaced by G.
Protein change: p.Thr2344Ala; replaces threonine 2344 with alanine.
Molecular consequence: missense variant.
Genome position (GRCh38, 1-based): chr17:31,340,613, A>G. VCF-style: chr17-31340613-A-G. GRCh37 (hg19) VCF-style: chr17-29667631-A-G.
Other names: c.6967A>G, p.Thr2323Ala (NM_000267.4); short protein forms T2344A, T2323A.
Identifiers: ClinVar variation 481960 (VCV000481960.14), dbSNP rs1555535189, ClinGen allele CA399015115.
Genomic context (GRCh38, chr17:31,340,613, plus strand): 5'-CAGCTTGATGAGGTCAACTTGTATTCAGCAGGTACCGCACTTCTTGAACAAAACCTGCAT[A>G]CTTTAGATAGTCTCCGTATATTCAATGACAAGGTAAGCAAACTTTGCCTTGAGGTTCCTA-3'
Protein context (NP_001035957.1, residues 2334-2354): GTALLEQNLH[Thr2344Ala]LDSLRIFNDK